The following is an entry in ClinVar:

NM_024312.5(GNPTAB):c.365+145C>T

Gene: GNPTAB (N-acetylglucosamine-1-phosphate transferase subunits alpha and beta; minus strand). Cytogenetic location: 12q23.2.
Variant type: single nucleotide variant.
Coding change: c.365+145C>T on transcript NM_024312.5 (MANE Select); 145 bases into the intron after coding-DNA position 365, C replaced by T.
Molecular consequence: intron variant.
Genome position (GRCh38, 1-based): chr12:101,788,403, G>A on the plus strand (C>T on the coding strand, the complement: GNPTAB is on the minus strand). VCF-style: chr12-101788403-G-A. GRCh37 (hg19) VCF-style: chr12-102182181-G-A.
Identifiers: ClinVar variation 671992 (VCV000671992.5), dbSNP rs2108694, ClinGen allele CA15746453.

ClinVar aggregate classification (germline): Benign. Review status: criteria provided, multiple submitters, no conflicts (2 of 4 stars). 4 submissions from 3 submitters: Benign (4). Last evaluated 2021-07-01.

Conditions:
Mucolipidosis type II. Also called: Mucolipidosis II Alpha/Beta; ML II ALPHA/BETA; Mucolipidosis 2; ML 2; Inclusion cell disease; Leroy Disease. Identifiers: Orphanet 576, MedGen C2673377, MONDO:0009650, OMIM 252500.
Pseudo-Hurler polydystrophy. Also called: MUCOLIPIDOSIS IIIA; ML III; ML III ALPHA/BETA; Type III Mucolipidosis; ML IIIA; Mucolipidosis III Alpha/Beta. Identifiers: Orphanet 423461, Orphanet 577, MedGen C0033788, MONDO:0018931, OMIM 252600.

Allele frequency attached by ClinVar (database versions not stated): gnomAD exomes 0.56178; TOPMed 0.60151; gnomAD 0.60798; 1000 Genomes Project 30x 0.67395; 1000 Genomes Project 0.68431.
gnomAD v4.1: 386,900 of 676,746 alleles (57%); highest among the groups gnomAD compares: East Asian, 92%; 115,529 homozygotes.

Submissions (4):

Genome-Nilou Lab
Classification: Benign for Mucolipidosis type II. Last evaluated: 2021-07-01. Review status: criteria provided, single submitter. Criteria: ACMG Guidelines, 2015. Collection method: clinical testing. Allele origin: germline. Affected: no.

Genome-Nilou Lab
Classification: Benign for Pseudo-Hurler polydystrophy. Last evaluated: 2021-07-01. Review status: criteria provided, single submitter. Criteria: ACMG Guidelines, 2015. Collection method: clinical testing. Allele origin: germline. Affected: no.

GeneDx
Classification: Benign. Last evaluated: 2018-06-19. Review status: criteria provided, single submitter. Criteria: GeneDx Variant Classification (06012015). Collection method: clinical testing. Allele origin: germline. Affected: yes.
Comment: This variant is considered likely benign or benign based on one or more of the following criteria: it is a conservative change, it occurs at a poorly conserved position in the protein, it is predicted to be benign by multiple in silico algorithms, and/or has population frequency not consistent with disease.

Breakthrough Genomics
Classification: Benign. Review status: criteria provided, single submitter. Criteria: ACMG Guidelines, 2015. Collection method: not provided. Allele origin: germline. Inheritance: Autosomal recessive inheritance. Affected: yes.